The following is an entry in ClinVar:

NM_005413.4(SIX3):c.486C>A (p.His162Gln)

Gene: SIX3 (SIX homeobox 3; plus strand). Cytogenetic location: 2p21.
Variant type: single nucleotide variant.
Coding change: c.486C>A on transcript NM_005413.4 (MANE Select); coding-DNA position 486, C replaced by A.
Protein change: p.His162Gln; replaces histidine 162 with glutamine.
Molecular consequence: missense variant.
Genome position (GRCh38, 1-based): chr2:44,942,590, C>A. VCF-style: chr2-44942590-C-A. GRCh37 (hg19) VCF-style: chr2-45169729-C-A.
Other names: short protein forms H162Q.
Identifiers: ClinVar variation 2772711 (VCV002772711.3), dbSNP rs746533848, ClinGen allele CA346799690.
Genomic context (GRCh38, chr2:44,942,590, plus strand): 5'-GGGCAACTTCCGCGACCTCTACCACATCCTTGAGAACCACAAGTTCACCAAGGAGTCTCA[C>A]GGCAAGCTGCAGGCCATGTGGCTCGAGGCGCACTACCAGGAGGCCGAGAAGCTGCGCGGC-3'
Protein context (NP_005404.1, residues 152-172): LENHKFTKES[His162Gln]GKLQAMWLEA

ClinVar aggregate classification (germline): Uncertain significance (1 of 4 stars; one submission).

Conditions:
Holoprosencephaly 2 (HPE2). Identifiers: Orphanet 2162, MedGen C1834877, MONDO:0007999, OMIM 157170.

Submission:

Labcorp Genetics (formerly Invitae), Labcorp
Classification: Uncertain significance for Holoprosencephaly 2. Last evaluated: 2023-11-01. Review status: criteria provided, single submitter. Criteria: Invitae Variant Classification Sherloc (09022015). Collection method: clinical testing. Allele origin: germline.
Comment: This sequence change replaces histidine, which is basic and polar, with glutamine, which is neutral and polar, at codon 162 of the SIX3 protein (p.His162Gln). The frequency data for this variant in the population databases is considered unreliable, as metrics indicate poor data quality at this position in the gnomAD database. This variant has not been reported in the literature in individuals affected with SIX3-related conditions. Advanced modeling of protein sequence and biophysical properties (such as structural, functional, and spatial information, amino acid conservation, physicochemical variation, residue mobility, and thermodynamic stability) performed at Invitae indicates that this missense variant is expected to disrupt SIX3 protein function with a positive predictive value of 80%. In summary, the available evidence is currently insufficient to determine the role of this variant in disease. Therefore, it has been classified as a Variant of Uncertain Significance.